The following is an entry in ClinVar:

ClinVar aggregate classification (germline): Benign. Review status: criteria provided, single submitter (1 of 4 stars). 2 submissions from 2 submitters: Benign (1). 1 of the submissions does not count toward it. Last evaluated 2024-03-22.

Conditions:
SLC13A3-related disorder. Also called: SLC13A3-related condition.

Allele frequency attached by ClinVar (database versions not stated): ESP Exome Variant Server 0.00008; gnomAD 0.00012 and 0.00021; TOPMed 0.00021; gnomAD exomes 0.00025 and 0.00026; ExAC 0.00030; 1000 Genomes Project 0.00060; 1000 Genomes Project 30x 0.00062.
gnomAD v4.1: 396 of 1,613,896 alleles (0.025%); highest among the groups gnomAD compares: East Asian, 0.66%; 1 homozygote.

Submissions (2):

Labcorp Genetics (formerly Invitae), Labcorp
Classification: Benign. Last evaluated: 2024-03-22. Review status: criteria provided, single submitter. Criteria: Invitae Variant Classification Sherloc (09022015). Collection method: clinical testing. Allele origin: germline.

PreventionGenetics, part of Exact Sciences
Classification: Likely benign for SLC13A3-related condition. Last evaluated: 2019-12-16. Review status: no assertion criteria provided. Collection method: clinical testing. Allele origin: germline. Not counted in ClinVar's aggregate classification.
Comment: This variant is classified as likely benign based on ACMG/AMP sequence variant interpretation guidelines (Richards et al. 2015 PMID: 25741868, with internal and published modifications).

NM_022829.6(SLC13A3):c.903C>T (p.Tyr301=)

Gene: SLC13A3 (solute carrier family 13 member 3; minus strand). Cytogenetic location: 20q13.12.
Variant type: single nucleotide variant.
Coding change: c.903C>T on transcript NM_022829.6 (MANE Select); coding-DNA position 903, C replaced by T.
Protein change: p.Tyr301=; no amino-acid change (tyrosine 301 retained).
Molecular consequence: synonymous variant.
Genome position (GRCh38, 1-based): chr20:46,592,421, G>A on the plus strand (C>T on the coding strand, the complement: SLC13A3 is on the minus strand). VCF-style: chr20-46592421-G-A. GRCh37 (hg19) VCF-style: chr20-45221060-G-A.
Other names: c.762C>T, p.Tyr254= (NM_001011554.3, NM_001193340.2); c.753C>T, p.Tyr251= (NM_001193339.2); c.609C>T, p.Tyr203= (NM_001193342.2); c.903C>T (NM_022829.5).
Identifiers: ClinVar variation 1616814 (VCV001616814.10), dbSNP rs146172910, ClinGen allele CA9891487.
Genomic context (GRCh38, chr20:46,592,421, plus strand): 5'-CCCTGCTTCCCCACTCTATTGCCAAAAAGAAAATGAGAGGTACCTGAAGCTCAGTCCCCC[G>A]TACAGGAAGGAGATCCAGAGCCAGCCTGCCAACAGGAACAACAGCATAAGAGGGAAGGCG-3'
Protein context (NP_073740.2, residues 291-311): LAGWLWISFL[Tyr301=]GGLSFRGWRK